The following is an entry in ClinVar:

ClinVar aggregate classification (germline): Uncertain significance (1 of 4 stars; one submission).

Conditions:
Severe combined immunodeficiency due to DNA-PKcs deficiency. Also called: IMMUNODEFICIENCY 26 WITH NEUROLOGIC ABNORMALITIES; Immunodeficiency 26 with or without neurologic abnormalities. Identifiers: Orphanet 317425, MedGen C4014833, MONDO:0014423, OMIM 615966.

Submission:

Labcorp Genetics (formerly Invitae), Labcorp
Classification: Uncertain significance for Severe combined immunodeficiency due to DNA-PKcs deficiency. Last evaluated: 2024-11-11. Review status: criteria provided, single submitter. Criteria: Invitae Variant Classification Sherloc (09022015). Collection method: clinical testing. Allele origin: germline.
Comment: This sequence change replaces cysteine, which is neutral and slightly polar, with tyrosine, which is neutral and polar, at codon 1953 of the PRKDC protein (p.Cys1953Tyr). This variant is not present in population databases (gnomAD no frequency). This variant has not been reported in the literature in individuals affected with PRKDC-related conditions. ClinVar contains an entry for this variant (Variation ID: 2127486). Invitae Evidence Modeling of protein sequence and biophysical properties (such as structural, functional, and spatial information, amino acid conservation, physicochemical variation, residue mobility, and thermodynamic stability) indicates that this missense variant is not expected to disrupt PRKDC protein function with a negative predictive value of 80%. In summary, the available evidence is currently insufficient to determine the role of this variant in disease. Therefore, it has been classified as a Variant of Uncertain Significance.

NM_006904.7(PRKDC):c.5858G>A (p.Cys1953Tyr)

Gene: PRKDC (protein kinase, DNA-activated, catalytic subunit; minus strand). Cytogenetic location: 8q11.21.
Variant type: single nucleotide variant.
Coding change: c.5858G>A on transcript NM_006904.7 (MANE Select); coding-DNA position 5858, G replaced by A.
Protein change: p.Cys1953Tyr; replaces cysteine 1953 with tyrosine.
Molecular consequence: missense variant.
Genome position (GRCh38, 1-based): chr8:47,862,434, C>T on the plus strand (G>A on the coding strand, the complement: PRKDC is on the minus strand). VCF-style: chr8-47862434-C-T. GRCh37 (hg19) VCF-style: chr8-48774995-C-T.
Other names: c.5858G>A, p.Cys1953Tyr (NM_001081640.2); short protein forms C1953Y.
Identifiers: ClinVar variation 2127486 (VCV002127486.4), dbSNP rs1354781244, ClinGen allele CA371162311.